The following is an entry in ClinVar:

ClinVar aggregate classification (germline): Benign (1 of 4 stars; one submission).

Allele frequency attached by ClinVar (database versions not stated): gnomAD exomes 0.59471; 1000 Genomes Project 0.60204; 1000 Genomes Project 30x 0.60759; gnomAD 0.60781 and 0.60988; TOPMed 0.62229.

Submission:

GeneDx
Classification: Benign. Last evaluated: 2018-06-14. Review status: criteria provided, single submitter. Criteria: GeneDx Variant Classification (06012015). Collection method: clinical testing. Allele origin: germline. Affected: yes.
Comment: This variant is considered likely benign or benign based on one or more of the following criteria: it is a conservative change, it occurs at a poorly conserved position in the protein, it is predicted to be benign by multiple in silico algorithms, and/or has population frequency not consistent with disease.

NM_153026.3(PRICKLE1):c.247-248_247-247insG

Gene: PRICKLE1 (prickle planar cell polarity protein 1; minus strand). Cytogenetic location: 12q12.
Variant type: Insertion.
Coding change: c.247-248_247-247insG on transcript NM_153026.3 (MANE Select); 248 bases into the intron before coding-DNA position 247 through 247 bases into the intron before coding-DNA position 247, G inserted.
Molecular consequence: intron variant.
Genome position: GRCh38 VCF-style: chr12-42469834-A-AC. GRCh37 (hg19) VCF-style: chr12-42863636-A-AC.
Other names: c.247-248_247-247insG (NM_001144883.2, NM_001144882.2, NM_001144881.2).
Identifiers: ClinVar variation 668602 (VCV000668602.1), dbSNP rs3217624, ClinGen allele CA235494345.
Genomic context (GRCh38, chr12:42,469,834, plus strand): 5'-GTGAAGGAATACTTTTTTTTTAAATAAGAAATGTTTAATTGAAAACCCTTATCAACACAG[A>AC]ATTAAAAAATATATATAGGACATTAACCTTTCCACAAAAGGTTTAAACTTGTTAATTGCC-3'